The following is an entry in ClinVar:

NM_005984.5(SLC25A1):c.527-5C>T

Gene: SLC25A1 (solute carrier family 25 member 1; minus strand). Cytogenetic location: 22q11.21.
Variant type: single nucleotide variant.
Coding change: c.527-5C>T on transcript NM_005984.5 (MANE Select); 5 bases into the intron before coding-DNA position 527, C replaced by T.
Molecular consequence: intron variant.
Genome position (GRCh38, 1-based): chr22:19,176,955, G>A on the plus strand (C>T on the coding strand, the complement: SLC25A1 is on the minus strand). VCF-style: chr22-19176955-G-A. GRCh37 (hg19) VCF-style: chr22-19164468-G-A.
Other names: c.527-5C>T (NM_005984.2); c.218-5C>T (NM_001287387.2); c.548-5C>T (NM_001256534.2).
Identifiers: ClinVar variation 759661 (VCV000759661.6), dbSNP rs782329763, ClinGen allele CA10097400.

ClinVar aggregate classification (germline): Conflicting classifications of pathogenicity. Review status: criteria provided, conflicting classifications (1 of 4 stars). 3 submissions from 3 submitters: Uncertain significance (1); Likely benign (2). Last evaluated 2024-01-12.

Conditions:
Inborn genetic diseases. Identifiers: MedGen C0950123, MeSH D030342.

Allele frequency attached by ClinVar (database versions not stated): TOPMed below 0.00001; ExAC 0.00002; gnomAD exomes 0.00002 and 0.00004.
gnomAD v4.1: 66 of 1,613,302 alleles (0.0041%); highest among the groups gnomAD compares: Middle Eastern, 0.017%; no homozygotes.

Submissions (3):

Blueprint Genetics
Classification: Likely benign. Last evaluated: 2024-01-12. Review status: criteria provided, single submitter. Criteria: ACMG Guidelines, 2015. Collection method: clinical testing. Allele origin: germline.

Ambry Genetics
Classification: Uncertain significance for Inborn genetic diseases. Last evaluated: 2022-08-24. Review status: criteria provided, single submitter. Criteria: Ambry Variant Classification Scheme 2023. Collection method: clinical testing. Allele origin: germline.
Comment: The c.527-5C>T intronic alteration consists of a C to T substitution 5 nucleotides before exon 6 of the SLC25A1 gene. Based on insufficient or conflicting evidence, the clinical significance of this alteration remains unclear.

Labcorp Genetics (formerly Invitae), Labcorp
Classification: Likely benign. Last evaluated: 2018-07-07. Review status: criteria provided, single submitter. Criteria: Invitae Variant Classification Sherloc (09022015). Collection method: clinical testing. Allele origin: germline.